The following is an entry in ClinVar:

NM_000243.3(MEFV):c.1261-28A>G

Gene: MEFV (MEFV innate immunity regulator, pyrin; minus strand). Cytogenetic location: 16p13.3.
Variant type: single nucleotide variant.
Coding change: c.1261-28A>G on transcript NM_000243.3 (MANE Select); 28 bases into the intron before coding-DNA position 1261, A replaced by G.
Molecular consequence: intron variant.
Genome position (GRCh38, 1-based): chr16:3,249,032, T>C on the plus strand (A>G on the coding strand, the complement: MEFV is on the minus strand). VCF-style: chr16-3249032-T-C. GRCh37 (hg19) VCF-style: chr16-3299032-T-C.
Other names: c.628-28A>G (NM_001198536.2).
Identifiers: ClinVar variation 97439 (VCV000097439.58), dbSNP rs104895140, ClinGen allele CA280388.

ClinVar aggregate classification (germline): Conflicting classifications of pathogenicity. Review status: criteria provided, conflicting classifications (1 of 4 stars). 8 submissions from 6 submitters: Uncertain significance (1); Benign (4); Likely benign (2). 1 of the submissions does not count toward it. Last evaluated 2025-11-03.

Conditions:
Acute febrile neutrophilic dermatosis (AFND). Also called: Gomm Button disease; Sweet Syndrome. Identifiers: Orphanet 3243, MedGen C0085077, MONDO:0011959, OMIM 608068.
Central core myopathy (CMYO1A). Also called: Central core disease; Myopathy, central fibrillar; CONGENITAL MYOPATHY 1A, AUTOSOMAL DOMINANT, WITH SUSCEPTIBILITY TO MALIGNANT HYPERTHERMIA. Identifiers: Orphanet 597, MedGen C5830701, MONDO:0007294, OMIM 117000.
Familial Mediterranean fever, autosomal dominant. Also called: FMF, AUTOSOMAL DOMINANT; Dominant Familial Mediterranean Fever. Identifiers: Orphanet 342, MedGen C1851347, MONDO:0007601, OMIM 134610.
Familial Mediterranean fever (FMF). Also called: POLYSEROSITIS, FAMILIAL PAROXYSMAL; POLYSEROSITIS, RECURRENT; Periodic peritonitis; Benign paroxysmal peritonitis. Identifiers: Orphanet 342, MedGen C0031069, MONDO:0018088, OMIM 249100. Disease mechanism: gain of function.

Allele frequency attached by ClinVar (database versions not stated): ESP Exome Variant Server 0.00015; gnomAD exomes 0.00374 and 0.00786; gnomAD 0.00015 and 0.00208; TOPMed 0.00047; ExAC 0.00859; 1000 Genomes Project 30x 0.01374; 1000 Genomes Project 0.01418.
gnomAD v4.1: 5,779 of 1,610,288 alleles (0.36%); highest among the groups gnomAD compares: South Asian, 5.9%; 210 homozygotes.

Submissions (8):

Labcorp Genetics (formerly Invitae), Labcorp
Classification: Benign for Familial Mediterranean fever. Last evaluated: 2025-11-03. Review status: criteria provided, single submitter. Criteria: Invitae Variant Classification Sherloc (09022015). Collection method: clinical testing. Allele origin: germline.

Genome-Nilou Lab
Classification: Uncertain significance for Familial Mediterranean fever. Last evaluated: 2023-02-08. Review status: criteria provided, single submitter. Criteria: ACMG Guidelines, 2015. Collection method: clinical testing. Allele origin: germline.

Genome-Nilou Lab
Classification: Likely benign for Familial Mediterranean fever, autosomal dominant. Last evaluated: 2023-02-08. Review status: criteria provided, single submitter. Criteria: ACMG Guidelines, 2015. Collection method: clinical testing. Allele origin: germline.

Genome-Nilou Lab
Classification: Likely benign for Acute febrile neutrophilic dermatosis. Last evaluated: 2023-02-08. Review status: criteria provided, single submitter. Criteria: ACMG Guidelines, 2015. Collection method: clinical testing. Allele origin: germline.

ARUP Laboratories, Molecular Genetics and Genomics, ARUP Laboratories
Classification: Benign. Last evaluated: 2020-02-06. Review status: criteria provided, single submitter. Criteria: ARUP Molecular Germline Variant Investigation Process. Collection method: clinical testing. Allele origin: germline.

GeneDx
Classification: Benign. Last evaluated: 2018-06-28. Review status: criteria provided, single submitter. Criteria: GeneDx Variant Classification Process June 2021. Collection method: clinical testing. Allele origin: germline. Affected: yes.
Comment: This variant is associated with the following publications: (PMID: 27535533)

Broad Center for Mendelian Genomics, Broad Institute of MIT and Harvard
Classification: Benign for Central core myopathy. Review status: criteria provided, single submitter. Criteria: ACMG Guidelines, 2015. Collection method: research. Allele origin: germline. Inheritance: Autosomal recessive inheritance. Affected: yes.
Comment: Ther heterozygous c.1261-28A>G variant in MEFV has been identified in an individual with familial Mediterranian fever (Lohse & Schneidenbach, personal communication to Infevers database, 2005) but has also been identified in >6% of South Asian chromosomes and 46 homozygotes by ExAC. In summary, this variant meets criteria to be classified as benign for familial Mediterranean fever.

Unité médicale des maladies autoinflammatoires, CHRU Montpellier
No classification provided. Condition: Familial Mediterranean fever. Review status: no classification provided. Collection method: not provided. Allele origin: unknown. Not counted in ClinVar's aggregate classification.